The following is an entry in ClinVar:

ClinVar aggregate classification (germline): Likely benign. Review status: criteria provided, multiple submitters, no conflicts (2 of 4 stars). 3 submissions from 3 submitters: Likely benign (2). 1 of the submissions does not count toward it. Last evaluated 2026-01-31.

Conditions:
SDCCAG8-related disorder. Also called: SDCCAG8-Related Disorders; SDCCAG8-related condition.
Senior-Loken syndrome 7 (SLSN7). Identifiers: Orphanet 3156, MedGen C3150877, MONDO:0013326, OMIM 613615.
Bardet-Biedl syndrome 16 (BBS16). Identifiers: Orphanet 110, MedGen C3889474, MONDO:0014444, OMIM 615993.

Allele frequency attached by ClinVar (database versions not stated): ExAC 0.00001; gnomAD exomes 0.00001; gnomAD 0.00003 and 0.00004; TOPMed 0.00015.

Submissions (3):

Labcorp Genetics (formerly Invitae), Labcorp
Classification: Likely benign for Bardet-Biedl syndrome 16; Senior-Loken syndrome 7. Last evaluated: 2026-01-31. Review status: criteria provided, single submitter. Criteria: Invitae Variant Classification Sherloc (09022015). Collection method: clinical testing. Allele origin: germline.

Fulgent Genetics
Classification: Likely benign for Senior-Loken syndrome 7; Bardet-Biedl syndrome 16. Last evaluated: 2022-04-22. Review status: criteria provided, single submitter. Criteria: ACMG Guidelines, 2015. Collection method: clinical testing. Allele origin: unknown.

PreventionGenetics, part of Exact Sciences
Classification: Likely benign for SDCCAG8-related condition. Last evaluated: 2021-04-16. Review status: no assertion criteria provided. Collection method: clinical testing. Allele origin: germline. Not counted in ClinVar's aggregate classification.
Comment: This variant is classified as likely benign based on ACMG/AMP sequence variant interpretation guidelines (Richards et al. 2015 PMID: 25741868, with internal and published modifications).

NM_006642.5(SDCCAG8):c.987G>A (p.Thr329=)

Gene: SDCCAG8 (SHH signaling and ciliogenesis regulator SDCCAG8; plus strand). Cytogenetic location: 1q43.
Variant type: single nucleotide variant.
Coding change: c.987G>A on transcript NM_006642.5 (MANE Select); coding-DNA position 987, G replaced by A.
Protein change: p.Thr329=; no amino-acid change (threonine 329 retained).
Molecular consequence: synonymous variant.
Genome position (GRCh38, 1-based): chr1:243,316,812, G>A. VCF-style: chr1-243316812-G-A. GRCh37 (hg19) VCF-style: chr1-243480114-G-A.
Other names: c.84G>A, p.Thr28= (NM_001350246.2, NM_001350247.2, NM_001350251.2); c.1083G>A, p.Thr361= (NM_001350248.2); c.693G>A, p.Thr231= (NM_001350249.2); c.987G>A (NM_006642.3).
Identifiers: ClinVar variation 1079593 (VCV001079593.12), dbSNP rs778065772, ClinGen allele CA1483510.